The following is an entry in ClinVar:

ClinVar aggregate classification (germline): Pathogenic (1 of 4 stars; one submission).

Submission:

GeneDx
Classification: Pathogenic. Last evaluated: 2025-03-07. Review status: criteria provided, single submitter. Criteria: GeneDx Variant Classification Process June 2021. Collection method: clinical testing. Allele origin: germline. Affected: yes.
Comment: Frameshift variant predicted to result in protein truncation or nonsense mediated decay in a gene for which loss of function is a known mechanism of disease; Not observed at significant frequency in large population cohorts (gnomAD); Has not been previously published as pathogenic or benign to our knowledge

NM_002480.3(PPP1R12A):c.652_653del (p.Leu218fs)

Gene: PPP1R12A (protein phosphatase 1 regulatory subunit 12A; minus strand). Cytogenetic location: 12q21.2.
Variant type: Deletion.
Coding change: c.652_653del on transcript NM_002480.3 (MANE Select); coding-DNA positions 652 to 653, 2 bases deleted (TT; older notation c.652_653delTT).
Protein change: p.Leu218fs; shifts the reading frame from leucine 218.
Molecular consequence: frameshift variant.
Genome position (GRCh38, 1-based): chr12:79,828,459-79,828,460, AA deleted on the plus strand (TT on the coding strand, the reverse complement: PPP1R12A is on the minus strand); deleting any 2 consecutive bases within chr12:79,828,459-79,828,462 gives the same sequence; the c. name uses the placement nearest the transcript's 3' end. VCF-style (leftmost placement, unchanged base first): chr12-79828458-TAA-T. GRCh37 (hg19) VCF-style: chr12-80222238-TAA-T.
Other names: c.652_653del, p.Leu218fs (NM_001143885.2, NM_001244990.2, NM_001244992.1); c.391_392del, p.Leu131fs (NM_001143886.2); short protein forms L131fs, L218fs.
Identifiers: ClinVar variation 4082577 (VCV004082577.1).